The following is an entry in ClinVar:

NM_000142.5(FGFR3):c.2302G>T (p.Glu768Ter)

Gene: FGFR3 (fibroblast growth factor receptor 3; plus strand). Cytogenetic location: 4p16.3.
Variant type: single nucleotide variant.
Coding change: c.2302G>T on transcript NM_000142.5 (MANE Select); coding-DNA position 2302, G replaced by T.
Protein change: p.Glu768Ter; replaces glutamic acid 768 with a stop codon.
Molecular consequence: nonsense. On other transcripts: missense variant (1), non-coding transcript variant (1).
Genome position (GRCh38, 1-based): chr4:1,807,143, G>T. VCF-style: chr4-1807143-G-T. GRCh37 (hg19) VCF-style: chr4-1808870-G-T.
Other names: c.2308G>T, p.Glu770Ter (NM_001163213.2); c.2305G>T, p.Glu769Ter (NM_001354809.2); c.2234G>T, p.Arg745Leu (NM_001354810.2); c.1966G>T, p.Glu656Ter (NM_022965.4); short protein forms E768*, E769*, E656*, E770*, R745L.
Identifiers: ClinVar variation 2021805 (VCV002021805.6), dbSNP rs560280646, ClinGen allele CA355987474.

ClinVar aggregate classification (germline): Uncertain significance. Review status: criteria provided, multiple submitters, no conflicts (2 of 4 stars). 2 submissions from 2 submitters: Uncertain significance (2). Last evaluated 2026-06-23.

Conditions:
FGFR3-related chondrodysplasia. Identifiers: Orphanet 93420, MedGen C5681604, MONDO:0019685.

gnomAD v4.1: 3 of 1,596,080 alleles (0.00019%); highest among the groups gnomAD compares: Non-Finnish European, 0.00026%; no homozygotes.

Submissions (3):

Genomenon, Inc
Classification: Uncertain significance for FGFR3-related chondrodysplasia. Last evaluated: 2026-06-23. Review status: criteria provided, single submitter. Criteria: Genomenon Sequence Variant Interpretation Standards - Updated. Collection method: curation. Allele origin: germline. Affected: no.
Comment: FGFR3 p.Glu768Ter (c.2302G>T) is a nonsense variant that introduces a premature stop codon at amino acid position 768 and is predicted to result in a truncated or absent protein product. This variant has been reported in the published literature (PMID:33580140;36848372). At least one splicing study has demonstrated no effect on splicing (PMID:33580140). It is absent or not present at a significant frequency in gnomAD. In conclusion, we classify FGFR3 p.Glu768Ter (c.2302G>T) as a variant of uncertain significance.

Labcorp Genetics (formerly Invitae), Labcorp
Classification: Uncertain significance. Last evaluated: 2021-12-20. Review status: criteria provided, single submitter. Criteria: Invitae Variant Classification Sherloc (09022015). Collection method: clinical testing. Allele origin: germline.
Comment: This sequence change creates a premature translational stop signal (p.Glu768*) in the FGFR3 gene. While this is not anticipated to result in nonsense mediated decay, it is expected to disrupt the last 39 amino acid(s) of the FGFR3 protein. The frequency data for this variant in the population databases is considered unreliable, as metrics indicate poor data quality at this position in the gnomAD database. This variant has not been reported in the literature in individuals affected with FGFR3-related conditions. Experimental studies and prediction algorithms are not available or were not evaluated, and the functional significance of this variant is currently unknown. In summary, the available evidence is currently insufficient to determine the role of this variant in disease. Therefore, it has been classified as a Variant of Uncertain Significance.

Dr. Peter K. Rogan Lab, Western University
No classification provided (evidence only). Condition: Malignant tumor of urinary bladder. Review status: no classification provided. Collection method: in vitro. Allele origin: not applicable. Functional consequence: retained intron. Not counted in ClinVar's aggregate classification.

Literature cited by the submitters: PubMed 33580140 (cited by Genomenon, Inc); PubMed 36848372 (cited by Genomenon, Inc).